The following is an entry in ClinVar:

NM_152296.5(ATP1A3):c.1822G>A (p.Gly608Ser)

Gene: ATP1A3 (ATPase Na+/K+ transporting subunit alpha 3; minus strand). Cytogenetic location: 19q13.2.
Variant type: single nucleotide variant.
Coding change: c.1822G>A on transcript NM_152296.5 (MANE Select); coding-DNA position 1822, G replaced by A.
Protein change: p.Gly608Ser; replaces glycine 608 with serine.
Molecular consequence: missense variant.
Genome position (GRCh38, 1-based): chr19:41,978,057, C>T on the plus strand (G>A on the coding strand, the complement: ATP1A3 is on the minus strand). VCF-style: chr19-41978057-C-T. GRCh37 (hg19) VCF-style: chr19-42482209-C-T.
Other names: c.1855G>A, p.Gly619Ser (NM_001256213.2); c.1861G>A, p.Gly621Ser (NM_001256214.2); short protein forms G608S, G619S, G621S.
Identifiers: ClinVar variation 3602498 (VCV003602498.1).

ClinVar aggregate classification (germline): Uncertain significance (1 of 4 stars; one submission).

Submission:

GeneDx
Classification: Uncertain significance. Last evaluated: 2024-07-30. Review status: criteria provided, single submitter. Criteria: GeneDx Variant Classification Process June 2021. Collection method: clinical testing. Allele origin: germline. Affected: yes.
Comment: Not observed at significant frequency in large population cohorts (gnomAD); In silico analysis supports that this missense variant has a deleterious effect on protein structure/function; Has not been previously published as pathogenic or benign to our knowledge; In silico analysis suggests this variant may impact gene splicing. In the absence of RNA/functional studies, the actual effect of this sequence change is unknown.